The following is an entry in ClinVar:

ClinVar aggregate classification (germline): Pathogenic/Likely pathogenic. Review status: criteria provided, multiple submitters, no conflicts (2 of 4 stars). 2 submissions from 2 submitters: Pathogenic (1); Likely pathogenic (1). Last evaluated 2025-04-16.

Conditions:
Retinitis pigmentosa 80 (RP80). Identifiers: MedGen C4540439, MONDO:0054708, OMIM 617781.
Saldino-Mainzer syndrome (SRTD9). Also called: Renal dysplasia, retinal pigmentary dystrophy, cerebellar ataxia and skeletal dysplasia; CONORENAL SYNDROME; short-rib thoracic dysplasia 9 with or without polydactyly; SHORT-RIB THORACIC DYSPLASIA 9 WITHOUT POLYDACTYLY. Identifiers: Orphanet 140969, MedGen C1849437, MONDO:0009964, OMIM 266920.

Submissions (2):

Labcorp Genetics (formerly Invitae), Labcorp
Classification: Pathogenic for Saldino-Mainzer syndrome. Last evaluated: 2025-04-16. Review status: criteria provided, single submitter. Criteria: Invitae Variant Classification Sherloc (09022015). Collection method: clinical testing. Allele origin: germline.
Comment: This sequence change creates a premature translational stop signal (p.His894Glnfs*58) in the IFT140 gene. It is expected to result in an absent or disrupted protein product. Loss-of-function variants in IFT140 are known to be pathogenic (PMID: 22503633, 23418020, 24009529, 26216056). Information on the frequency of this variant in the gnomAD database is not available, as this variant may be reported differently in the database. This variant has not been reported in the literature in individuals affected with IFT140-related conditions. For these reasons, this variant has been classified as Pathogenic.

Fulgent Genetics
Classification: Likely pathogenic for Saldino-Mainzer syndrome; Retinitis pigmentosa 80. Last evaluated: 2024-03-05. Review status: criteria provided, single submitter. Criteria: ACMG Guidelines, 2015. Collection method: clinical testing. Allele origin: germline.

Literature cited by the submitters: PubMed 22503633 (cited by Labcorp Genetics (formerly Invitae), Labcorp); PubMed 23418020 (cited by Labcorp Genetics (formerly Invitae), Labcorp); PubMed 24009529 (cited by Labcorp Genetics (formerly Invitae), Labcorp); PubMed 26216056 (cited by Labcorp Genetics (formerly Invitae), Labcorp).

NM_014714.4(IFT140):c.2682delinsAA (p.His894fs)

Gene: IFT140 (intraflagellar transport 140; minus strand). Cytogenetic location: 16p13.3.
Variant type: Indel.
Coding change: c.2682delinsAA on transcript NM_014714.4 (MANE Select); coding-DNA position 2682, C replaced by AA.
Protein change: p.His894fs; shifts the reading frame from histidine 894.
Molecular consequence: frameshift variant.
Genome position (GRCh38, 1-based): chr16:1,525,973, G replaced by TT on the plus strand (C replaced by AA on the coding strand, the reverse complement: IFT140 is on the minus strand). VCF-style: chr16-1525973-G-TT. GRCh37 (hg19) VCF-style: chr16-1575974-G-TT.
Other names: short protein forms H894fs.
Identifiers: ClinVar variation 1973713 (VCV001973713.6), dbSNP rs2506128598, ClinGen allele CA2580090659.